The following is an entry in ClinVar:

NM_000548.5(TSC2):c.1673A>T (p.Glu558Val)

Gene: TSC2 (TSC complex subunit 2; plus strand). Cytogenetic location: 16p13.3.
Variant type: single nucleotide variant.
Coding change: c.1673A>T on transcript NM_000548.5 (MANE Select); coding-DNA position 1673, A replaced by T.
Protein change: p.Glu558Val; replaces glutamic acid 558 with valine.
Molecular consequence: missense variant.
Genome position (GRCh38, 1-based): chr16:2,065,592, A>T. VCF-style: chr16-2065592-A-T. GRCh37 (hg19) VCF-style: chr16-2115593-A-T.
Other names: c.1673A>T, p.Glu558Val (NM_001077183.3, NM_001114382.3, NM_001363528.2 and 3 more transcripts); c.1562A>T, p.Glu521Val (NM_001318827.2); c.1526A>T, p.Glu509Val (NM_001318829.2); c.1073A>T, p.Glu358Val (NM_001318831.2); c.1706A>T, p.Glu569Val (NM_001318832.2); short protein forms E558V, E569V, E509V, E521V, E358V.
Identifiers: ClinVar variation 863714 (VCV000863714.10), dbSNP rs1596317476, ClinGen allele CA394270432.

ClinVar aggregate classification (germline): Uncertain significance. Review status: criteria provided, multiple submitters, no conflicts (2 of 4 stars). 2 submissions from 2 submitters: Uncertain significance (2). Last evaluated 2026-04-25.

Conditions:
Tuberous sclerosis 2 (TSC2). Identifiers: Orphanet 805, MedGen C1860707, MONDO:0013199, OMIM 613254.

Submissions (2):

GeneDx
Classification: Uncertain significance. Last evaluated: 2026-04-25. Review status: criteria provided, single submitter. Criteria: GeneDx Variant Classification Process June 2021. Collection method: clinical testing. Allele origin: germline.
Comment: Not observed at significant frequency in large population cohorts (gnomAD); In silico analysis supports that this missense variant has a deleterious effect on protein structure/function; Has not been previously published as pathogenic or benign to our knowledge

Labcorp Genetics (formerly Invitae), Labcorp
Classification: Uncertain significance for Tuberous sclerosis 2. Last evaluated: 2026-01-22. Review status: criteria provided, single submitter. Criteria: Invitae Variant Classification Sherloc (09022015). Collection method: clinical testing. Allele origin: germline.
Comment: This sequence change replaces glutamic acid, which is acidic and polar, with valine, which is neutral and non-polar, at codon 558 of the TSC2 protein (p.Glu558Val). This variant is not present in population databases (gnomAD no frequency). This variant has not been reported in the literature in individuals affected with TSC2-related conditions. ClinVar contains an entry for this variant (Variation ID: 863714). Invitae Evidence Modeling of protein sequence and biophysical properties (such as structural, functional, and spatial information, amino acid conservation, physicochemical variation, residue mobility, and thermodynamic stability) indicates that this missense variant is not expected to disrupt TSC2 protein function with a negative predictive value of 95%. In summary, the available evidence is currently insufficient to determine the role of this variant in disease. Therefore, it has been classified as a Variant of Uncertain Significance.